The following is an entry in ClinVar:

ClinVar aggregate classification (germline): Uncertain significance (1 of 4 stars; one submission).

Allele frequency attached by ClinVar (database versions not stated): gnomAD 0.00003; TOPMed 0.00003; gnomAD exomes 0.00004.
gnomAD v4.1: 13 of 1,535,986 alleles (0.00085%); highest among the groups gnomAD compares: Admixed American, 0.026%; no homozygotes.

Submission:

Labcorp Genetics (formerly Invitae), Labcorp
Classification: Uncertain significance. Last evaluated: 2024-10-29. Review status: criteria provided, single submitter. Criteria: Invitae Variant Classification Sherloc (09022015). Collection method: clinical testing. Allele origin: germline.
Comment: This sequence change replaces proline, which is neutral and non-polar, with alanine, which is neutral and non-polar, at codon 237 of the ILDR1 protein (p.Pro237Ala). This variant is present in population databases (no rsID available, gnomAD 0.03%). This variant has not been reported in the literature in individuals affected with ILDR1-related conditions. ClinVar contains an entry for this variant (Variation ID: 1498520). An algorithm developed to predict the effect of missense changes on protein structure and function (PolyPhen-2) suggests that this variant is likely to be disruptive. In summary, the available evidence is currently insufficient to determine the role of this variant in disease. Therefore, it has been classified as a Variant of Uncertain Significance.

NM_001199799.2(ILDR1):c.709C>G (p.Pro237Ala)

Gene: ILDR1 (immunoglobulin like domain containing receptor 1; minus strand). Cytogenetic location: 3q13.33.
Variant type: single nucleotide variant.
Coding change: c.709C>G on transcript NM_001199799.2 (MANE Select); coding-DNA position 709, C replaced by G.
Protein change: p.Pro237Ala; replaces proline 237 with alanine.
Molecular consequence: missense variant. On other transcripts: intron variant (1).
Genome position (GRCh38, 1-based): chr3:121,994,251, G>C on the plus strand (C>G on the coding strand, the complement: ILDR1 is on the minus strand). VCF-style: chr3-121994251-G-C. GRCh37 (hg19) VCF-style: chr3-121713098-G-C.
Other names: c.442C>G, p.Pro148Ala (NM_001199800.2); c.647-281C>G (NM_175924.4); short protein forms P148A, P237A.
Identifiers: ClinVar variation 1498520 (VCV001498520.5), dbSNP rs1284834776, ClinGen allele CA354144721.